The following is an entry in ClinVar:

ClinVar aggregate classification (germline): Likely pathogenic. Review status: criteria provided, single submitter (1 of 4 stars). 2 submissions from 2 submitters: Likely pathogenic (1). 1 of the submissions does not count toward it. Last evaluated 2024-06-20.

Conditions:
Fanconi anemia complementation group D2. Also called: FANCD2-Related Fanconi Anemia; FANCONI PANCYTOPENIA, TYPE 4; FANCONI ANEMIA, COMPLEMENTATION GROUP D. Identifiers: Orphanet 84, MedGen C3160738, MONDO:0009214, OMIM 227646.

Allele frequency attached by ClinVar (database versions not stated): ExAC 0.00001; gnomAD exomes 0.00001.

Submissions (2):

Molecular Diagnostics Laboratory, M Health Fairview: University of Minnesota
Classification: Likely pathogenic for Fanconi anemia complementation group D2. Last evaluated: 2024-06-20. Review status: criteria provided, single submitter. Criteria: ACMG Guidelines, 2015. Collection method: clinical testing. Allele origin: germline. Affected: yes.

Leiden Open Variation Database
Classification: Uncertain significance for Fanconi anemia complementation group D2. Last evaluated: 2020-02-28. Review status: no assertion criteria provided. Collection method: curation. Allele origin: germline. Affected: yes. Not counted in ClinVar's aggregate classification.
Comment: Curator: Arleen D. Auerbach. Submitter to LOVD: Arleen D. Auerbach.

Literature cited by the submitters: PubMed 23613520 (cited by Leiden Open Variation Database).

NM_001018115.3(FANCD2):c.1278+6T>C

Genes: FANCD2 (FA complementation group D2; plus strand), LOC107303338 (3p25 FANCD2 Alu-mediated recombination region; plus strand). Cytogenetic location: 3p25.3.
Variant type: single nucleotide variant.
Coding change: c.1278+6T>C on transcript NM_001018115.3 (MANE Select); 6 bases into the intron after coding-DNA position 1278, T replaced by C.
Molecular consequence: intron variant.
Genome position (GRCh38, 1-based): chr3:10,046,729, T>C. VCF-style: chr3-10046729-T-C. GRCh37 (hg19) VCF-style: chr3-10088413-T-C.
Other names: c.1278+6T>C (NM_001319984.2, NM_001374253.1, NM_033084.6 and 1 more transcripts).
Identifiers: ClinVar variation 929650 (VCV000929650.2), dbSNP rs779894573, ClinGen allele CA2249573.